The following is an entry in ClinVar:

ClinVar aggregate classification (germline): Likely benign. Review status: criteria provided, single submitter (1 of 4 stars). 2 submissions from 2 submitters: Likely benign (1). 1 of the submissions does not count toward it. Last evaluated 2024-10-29.

Conditions:
MYRF-related disorder. Also called: MYRF-related condition; MYRF-related disorders.

Allele frequency attached by ClinVar (database versions not stated): ESP Exome Variant Server 0.00039; TOPMed 0.00046; gnomAD 0.00054; gnomAD exomes 0.00084.
gnomAD v4.1: 1,283 of 1,602,592 alleles (0.08%); highest among the groups gnomAD compares: Non-Finnish European, 0.097%; 1 homozygote.

Submissions (2):

Blueprint Genetics
Classification: Likely benign. Last evaluated: 2024-10-29. Review status: criteria provided, single submitter. Criteria: ACMG Guidelines, 2015. Collection method: clinical testing. Allele origin: germline.

PreventionGenetics, part of Exact Sciences
Classification: Likely benign for MYRF-related condition. Last evaluated: 2022-07-11. Review status: no assertion criteria provided. Collection method: clinical testing. Allele origin: germline. Not counted in ClinVar's aggregate classification.
Comment: This variant is classified as likely benign based on ACMG/AMP sequence variant interpretation guidelines (Richards et al. 2015 PMID: 25741868, with internal and published modifications).

NM_001127392.3(MYRF):c.521G>A (p.Arg174His)

Gene: MYRF (myelin regulatory factor; plus strand). Cytogenetic location: 11q12.2.
Variant type: single nucleotide variant.
Coding change: c.521G>A on transcript NM_001127392.3 (MANE Select); coding-DNA position 521, G replaced by A.
Protein change: p.Arg174His; replaces arginine 174 with histidine.
Molecular consequence: missense variant.
Genome position (GRCh38, 1-based): chr11:61,770,306, G>A. VCF-style: chr11-61770306-G-A. GRCh37 (hg19) VCF-style: chr11-61537778-G-A.
Other names: c.494G>A, p.Arg165His (NM_013279.4); short protein forms R165H, R174H.
Identifiers: ClinVar variation 3051447 (VCV003051447.3), dbSNP rs200370195, ClinGen allele CA6037575.